The following is an entry in ClinVar:

NM_001329943.3(KIAA0586):c.3682A>G (p.Ser1228Gly)

Gene: KIAA0586 (KIAA0586; plus strand). Cytogenetic location: 14q23.1.
Variant type: single nucleotide variant.
Coding change: c.3682A>G on transcript NM_001329943.3 (MANE Select); coding-DNA position 3682, A replaced by G.
Protein change: p.Ser1228Gly; replaces serine 1228 with glycine.
Molecular consequence: missense variant.
Genome position (GRCh38, 1-based): chr14:58,488,775, A>G. VCF-style: chr14-58488775-A-G. GRCh37 (hg19) VCF-style: chr14-58955493-A-G.
Other names: c.3841A>G, p.Ser1281Gly (NM_001244189.2); c.3637A>G, p.Ser1213Gly (NM_001244190.2); c.3427A>G, p.Ser1143Gly (NM_001244191.2, NM_001329945.2, NM_001364700.1 and 1 more transcripts); c.3550A>G, p.Ser1184Gly (NM_001244192.2); c.3262A>G, p.Ser1088Gly (NM_001244193.2); c.3682A>G, p.Ser1228Gly (NM_001329944.2, NM_001329946.2, NM_001329947.2); c.3454A>G, p.Ser1152Gly (NM_014749.5); c.3454A>G (NM_014749.3); short protein forms S1143G, S1213G, S1088G, S1228G, S1281G, S1184G, S1152G.
Identifiers: ClinVar variation 1392600 (VCV001392600.7), dbSNP rs761946256, ClinGen allele CA7206228.

ClinVar aggregate classification (germline): Uncertain significance. Review status: criteria provided, multiple submitters, no conflicts (2 of 4 stars). 3 submissions from 3 submitters: Uncertain significance (3). Last evaluated 2026-01-05.

Conditions:
Inborn genetic diseases. Identifiers: MedGen C0950123, MeSH D030342.
Short-rib thoracic dysplasia 14 with polydactyly (SRTD14). Identifiers: Orphanet 397715, MedGen C4225286, MONDO:0014688, OMIM 616546.
Joubert syndrome 23 (JBTS23). Identifiers: Orphanet 475, MedGen C4084822, MONDO:0014664, OMIM 616490.

Allele frequency attached by ClinVar (database versions not stated): gnomAD 0.00003 and 0.00004; TOPMed 0.00005; ExAC 0.00006; gnomAD exomes 0.00006 and 0.00008.
gnomAD v4.1: 125 of 1,613,694 alleles (0.0077%); highest among the groups gnomAD compares: Admixed American, 0.017%; no homozygotes.

Submissions (3):

Labcorp Genetics (formerly Invitae), Labcorp
Classification: Uncertain significance for Joubert syndrome 23; Short-rib thoracic dysplasia 14 with polydactyly. Last evaluated: 2026-01-05. Review status: criteria provided, single submitter. Criteria: Invitae Variant Classification Sherloc (09022015). Collection method: clinical testing. Allele origin: germline.
Comment: This sequence change replaces serine, which is neutral and polar, with glycine, which is neutral and non-polar, at codon 1281 of the KIAA0586 protein (p.Ser1281Gly). This variant is present in population databases (rs761946256, gnomAD 0.01%). This variant has not been reported in the literature in individuals affected with KIAA0586-related conditions. ClinVar contains an entry for this variant (Variation ID: 1392600). Invitae Evidence Modeling of protein sequence and biophysical properties (such as structural, functional, and spatial information, amino acid conservation, physicochemical variation, residue mobility, and thermodynamic stability) indicates that this missense variant is expected to disrupt KIAA0586 protein function with a positive predictive value of 80%. In summary, the available evidence is currently insufficient to determine the role of this variant in disease. Therefore, it has been classified as a Variant of Uncertain Significance.

Blueprint Genetics
Classification: Uncertain significance. Last evaluated: 2024-08-06. Review status: criteria provided, single submitter. Criteria: ACMG Guidelines, 2015. Collection method: clinical testing. Allele origin: germline.

Ambry Genetics
Classification: Uncertain significance for Inborn genetic diseases. Last evaluated: 2024-05-26. Review status: criteria provided, single submitter. Criteria: Ambry Variant Classification Scheme 2023. Collection method: clinical testing. Allele origin: germline.